The following is an entry in ClinVar:

NM_001277304.2(POTEB):c.1263G>A (p.Gln421=)

Gene: POTEB (POTE ankyrin domain family member B). Cytogenetic location: 15q11.2.
Variant type: single nucleotide variant.
Coding change: c.1263G>A on transcript NM_001277304.2 (MANE Select); coding-DNA position 1263, G replaced by A.
Protein change: p.Gln421=; no amino-acid change (glutamine 421 retained).
Molecular consequence: synonymous variant. On other transcripts: non-coding transcript variant (1).
Genome position (GRCh38, 1-based): chr15:21,856,827, C>T on the plus strand (G>A on the coding strand, the complement: POTEB is on the minus strand). VCF-style: chr15-21856827-C-T. GRCh37 (hg19) VCF-style: chr15-22062351-C-T.
Identifiers: ClinVar variation 3388780 (VCV003388780.14).
Genomic context (GRCh38, chr15:21,856,827, plus strand): 5'-CTATTAAATGTTGCCATAGGCTCACCTGTGATACTCTTCATTCTCAGTGTCAGGAAATTG[C>T]TGATTTTCAGGTTTTCTGCTCTTCCTTTGTGGAATTAATCCATCATCACCATTGCCAGCA-3'
Protein context (NP_001264233.1, residues 411-431): PQRKSRKPEN[Gln421=]QFPDTENEEY

ClinVar aggregate classification (germline): Likely benign (1 of 4 stars; one submission).

Submission:

CeGaT Center for Human Genetics Tuebingen
Classification: Likely benign. Last evaluated: 2024-09-01. Review status: criteria provided, single submitter. Criteria: CeGaT Center For Human Genetics Tuebingen Variant Classification Criteria Version 2. Collection method: clinical testing. Allele origin: germline. Affected: yes. Observed: 1 variant allele.
Comment: POTEB: BP4, BP7